The following is an entry in ClinVar:

NM_001080517.3(SETD5):c.235G>A (p.Gly79Arg)

Gene: SETD5 (SET domain containing 5; plus strand). Cytogenetic location: 3p25.3.
Variant type: single nucleotide variant.
Coding change: c.235G>A on transcript NM_001080517.3 (MANE Select); coding-DNA position 235, G replaced by A.
Protein change: p.Gly79Arg; replaces glycine 79 with arginine.
Molecular consequence: missense variant. On other transcripts: 5 prime UTR variant (2).
Genome position (GRCh38, 1-based): chr3:9,434,391, G>A. VCF-style: chr3-9434391-G-A. GRCh37 (hg19) VCF-style: chr3-9476075-G-A.
Other names: c.-99G>A (NM_001292043.2); c.-140G>A (NM_001349451.2); short protein forms G79R.
Identifiers: ClinVar variation 2629858 (VCV002629858.1), dbSNP rs771467194, ClinGen allele CA2238894.

ClinVar aggregate classification (germline): Uncertain significance (1 of 4 stars; one submission).

Conditions:
SETD5-related disorder. Also called: SETD5-related disorders; SETD5-related condition.

Allele frequency attached by ClinVar (database versions not stated): ExAC 0.00001.

Submission:

PreventionGenetics, part of Exact Sciences
Classification: Uncertain significance for SETD5-related condition. Last evaluated: 2023-01-25. Review status: criteria provided, single submitter. Criteria: ACMG Guidelines, 2015. Collection method: clinical testing. Allele origin: germline.
Comment: The SETD5 c.235G>A variant is predicted to result in the amino acid substitution p.Gly79Arg. To our knowledge, this variant has not been reported in the literature or in a large population database, indicating this variant is rare. At this time, the clinical significance of this variant is uncertain due to the absence of conclusive functional and genetic evidence.